The following is an entry in ClinVar:

ClinVar aggregate classification (germline): Uncertain significance (1 of 4 stars; one submission).

Submission:

Ambry Genetics
Classification: Uncertain significance. Last evaluated: 2023-11-16. Review status: criteria provided, single submitter. Criteria: Ambry Variant Classification Scheme 2023. Collection method: clinical testing. Allele origin: germline.
Comment: The p.T1748I variant (also known as c.5243C>T), located in coding exon 16 of the POLQ gene, results from a C to T substitution at nucleotide position 5243. The threonine at codon 1748 is replaced by isoleucine, an amino acid with similar properties. This amino acid position is conserved. In addition, this alteration is predicted to be tolerated by in silico analysis. Since supporting evidence is limited at this time, the clinical significance of this alteration remains unclear.

NM_199420.4(POLQ):c.5243C>T (p.Thr1748Ile)

Gene: POLQ (DNA polymerase theta; minus strand). Cytogenetic location: 3q13.33.
Variant type: single nucleotide variant.
Coding change: c.5243C>T on transcript NM_199420.4 (MANE Select); coding-DNA position 5243, C replaced by T.
Protein change: p.Thr1748Ile; replaces threonine 1748 with isoleucine.
Molecular consequence: missense variant.
Genome position (GRCh38, 1-based): chr3:121,487,688, G>A on the plus strand (C>T on the coding strand, the complement: POLQ is on the minus strand). VCF-style: chr3-121487688-G-A. GRCh37 (hg19) VCF-style: chr3-121206535-G-A.
Other names: short protein forms T1748I.
Identifiers: ClinVar variation 3230048 (VCV003230048.1), dbSNP rs2546784933, ClinGen allele CA354090833.